The following is an entry in ClinVar:

NM_000053.4(ATP7B):c.4283T>C (p.Val1428Ala)

Gene: ATP7B (ATPase copper transporting beta; minus strand). Cytogenetic location: 13q14.3.
Variant type: single nucleotide variant.
Coding change: c.4283T>C on transcript NM_000053.4 (MANE Select); coding-DNA position 4283, T replaced by C.
Protein change: p.Val1428Ala; replaces valine 1428 with alanine.
Molecular consequence: missense variant.
Genome position (GRCh38, 1-based): chr13:51,934,871, A>G on the plus strand (T>C on the coding strand, the complement: ATP7B is on the minus strand). VCF-style: chr13-51934871-A-G. GRCh37 (hg19) VCF-style: chr13-52509007-A-G.
Other names: c.3662T>C, p.Val1221Ala (NM_001005918.3); c.3950T>C, p.Val1317Ala (NM_001243182.2); c.4049T>C, p.Val1350Ala (NM_001330578.2, NM_001406527.1, NM_001406528.1); c.4031T>C, p.Val1344Ala (NM_001330579.2, NM_001406531.1, NM_001406532.1); c.4283T>C, p.Val1428Ala (NM_001406511.1, NM_001406512.1); c.4277T>C, p.Val1426Ala (NM_001406513.1); c.4250T>C, p.Val1417Ala (NM_001406514.1); c.4229T>C, p.Val1410Ala (NM_001406515.1, NM_001406516.1); and 21 more; short protein forms V1147A, V1212A, V1221A, V1234A, V1285A, V1332A, V1350A, V1383A.
Identifiers: ClinVar variation 2083232 (VCV002083232.1), dbSNP rs1956864501, ClinGen allele CA388019203.

ClinVar aggregate classification (germline): Uncertain significance (1 of 4 stars; one submission).

Conditions:
Wilson disease (WND). Also called: Wilson's disease. Identifiers: Orphanet 905, MedGen C0019202, MONDO:0010200, OMIM 277900. Disease mechanism: loss of function.

Allele frequency attached by ClinVar (database versions not stated): TOPMed below 0.00001; gnomAD exomes 0.00001.
gnomAD v4.1: 4 of 1,614,220 alleles (0.00025%); highest among the groups gnomAD compares: East Asian, 0.0089%; no homozygotes.

Submission:

Labcorp Genetics (formerly Invitae), Labcorp
Classification: Uncertain significance for Wilson disease. Last evaluated: 2022-06-23. Review status: criteria provided, single submitter. Criteria: Invitae Variant Classification Sherloc (09022015). Collection method: clinical testing. Allele origin: germline.
Comment: This sequence change replaces valine, which is neutral and non-polar, with alanine, which is neutral and non-polar, at codon 1428 of the ATP7B protein (p.Val1428Ala). This variant is not present in population databases (gnomAD no frequency). This variant has not been reported in the literature in individuals affected with ATP7B-related conditions. Advanced modeling of protein sequence and biophysical properties (such as structural, functional, and spatial information, amino acid conservation, physicochemical variation, residue mobility, and thermodynamic stability) performed at Invitae indicates that this missense variant is not expected to disrupt ATP7B protein function. In summary, the available evidence is currently insufficient to determine the role of this variant in disease. Therefore, it has been classified as a Variant of Uncertain Significance.